The following is an entry in ClinVar:

NM_032043.3(BRIP1):c.2707C>G (p.Gln903Glu)

Gene: BRIP1 (BRCA1 interacting DNA helicase 1; minus strand). Cytogenetic location: 17q23.2.
Variant type: single nucleotide variant.
Coding change: c.2707C>G on transcript NM_032043.3 (MANE Select); coding-DNA position 2707, C replaced by G.
Protein change: p.Gln903Glu; replaces glutamine 903 with glutamic acid.
Molecular consequence: missense variant.
Genome position (GRCh38, 1-based): chr17:61,686,034, G>C on the plus strand (C>G on the coding strand, the complement: BRIP1 is on the minus strand). VCF-style: chr17-61686034-G-C. GRCh37 (hg19) VCF-style: chr17-59763395-G-C.
Other names: short protein forms Q903E.
Identifiers: ClinVar variation 4791645 (VCV004791645.1).
Genomic context (GRCh38, chr17:61,686,034, plus strand): 5'-GTAAATAAGGTGAGGTACTGTACTTTAAAGAGGTCACTTCAAGTGTAGACTCATTGTCCT[G>C]TATATTGGTTCTGTCCTTTATGGATACATTAAGAACTTTTTGATGCTTTTTGGAAAATTC-3'
Protein context (NP_114432.2, residues 893-913): NVSIKDRTNI[Gln903Glu]DNESTLEVTS

ClinVar aggregate classification (germline): Uncertain significance (1 of 4 stars; one submission).

Conditions:
Fanconi anemia complementation group J. Also called: BRIP1-Related Fanconi Anemia. Identifiers: Orphanet 84, MedGen C1836860, MONDO:0012187, OMIM 609054.
Familial cancer of breast. Also called: BREAST CANCER, FAMILIAL; Hereditary breast cancer; hereditary breast carcinoma. Identifiers: Orphanet 227535, MedGen C0346153, MONDO:0016419, OMIM 114480. Disease mechanism: loss of function.

Submission:

Labcorp Genetics (formerly Invitae), Labcorp
Classification: Uncertain significance for Familial cancer of breast; Fanconi anemia complementation group J. Last evaluated: 2025-09-30. Review status: criteria provided, single submitter. Criteria: Invitae Variant Classification Sherloc (09022015). Collection method: clinical testing. Allele origin: germline.
Comment: This sequence change replaces glutamine, which is neutral and polar, with glutamic acid, which is acidic and polar, at codon 903 of the BRIP1 protein (p.Gln903Glu). This variant is not present in population databases (gnomAD no frequency). This variant has not been reported in the literature in individuals affected with BRIP1-related conditions. Invitae Evidence Modeling of protein sequence and biophysical properties (such as structural, functional, and spatial information, amino acid conservation, physicochemical variation, residue mobility, and thermodynamic stability) indicates that this missense variant is not expected to disrupt BRIP1 protein function with a negative predictive value of 95%. In summary, the available evidence is currently insufficient to determine the role of this variant in disease. Therefore, it has been classified as a Variant of Uncertain Significance.